The following is an entry in ClinVar:

ClinVar aggregate classification (germline): Uncertain significance. Review status: criteria provided, multiple submitters, no conflicts (2 of 4 stars). 2 submissions from 2 submitters: Uncertain significance (2). Last evaluated 2024-06-21.

Conditions:
Hereditary cancer-predisposing syndrome. Also called: Tumor predisposition; Hereditary Cancer Syndrome; Hereditary neoplastic syndrome; Neoplastic Syndromes, Hereditary. Identifiers: Orphanet 140162, MedGen C0027672, MeSH D009386, MONDO:0015356.
Hereditary pheochromocytoma and paraganglioma. Also called: Hereditary paragangliomas and pheochromocytomas; Hereditary Paraganglioma-Pheochromocytoma Syndromes; Hereditary pheochromocytoma-paraganglioma. Identifiers: Orphanet 29072, MedGen C4274332, MONDO:0017366.

Submissions (2):

Ambry Genetics
Classification: Uncertain significance for Hereditary cancer-predisposing syndrome. Last evaluated: 2024-06-21. Review status: criteria provided, single submitter. Criteria: Ambry Variant Classification Scheme 2023. Collection method: clinical testing. Allele origin: germline.
Comment: The p.P27S variant (also known as c.79C>T), located in coding exon 1 of the TMEM127 gene, results from a C to T substitution at nucleotide position 79. The proline at codon 27 is replaced by serine, an amino acid with similar properties. This amino acid position is conserved. In addition, the in silico prediction for this alteration is inconclusive. Based on the available evidence, the clinical significance of this variant remains unclear.

Labcorp Genetics (formerly Invitae), Labcorp
Classification: Uncertain significance for Hereditary pheochromocytoma and paraganglioma. Last evaluated: 2023-05-24. Review status: criteria provided, single submitter. Criteria: Invitae Variant Classification Sherloc (09022015). Collection method: clinical testing. Allele origin: germline.
Comment: This sequence change replaces proline, which is neutral and non-polar, with serine, which is neutral and polar, at codon 27 of the TMEM127 protein (p.Pro27Ser). In summary, the available evidence is currently insufficient to determine the role of this variant in disease. Therefore, it has been classified as a Variant of Uncertain Significance. An algorithm developed to predict the effect of missense changes on protein structure and function (PolyPhen-2) suggests that this variant is likely to be tolerated. ClinVar contains an entry for this variant (Variation ID: 2140788). This variant has not been reported in the literature in individuals affected with TMEM127-related conditions. This variant is not present in population databases (gnomAD no frequency).

NM_017849.4(TMEM127):c.79C>T (p.Pro27Ser)

Genes: TMEM127 (transmembrane protein 127; minus strand), LOC129934333 (ATAC-STARR-seq lymphoblastoid silent region 11759; plus strand). Cytogenetic location: 2q11.2.
Variant type: single nucleotide variant.
Coding change: c.79C>T on transcript NM_017849.4 (MANE Select); coding-DNA position 79, C replaced by T.
Protein change: p.Pro27Ser; replaces proline 27 with serine.
Molecular consequence: missense variant.
Genome position (GRCh38, 1-based): chr2:96,265,303, G>A on the plus strand (C>T on the coding strand, the complement: TMEM127 is on the minus strand). VCF-style: chr2-96265303-G-A. GRCh37 (hg19) VCF-style: chr2-96931041-G-A.
Other names: c.79C>T, p.Pro27Ser (NM_001193304.3); short protein forms P27S.
Identifiers: ClinVar variation 2140788 (VCV002140788.5), dbSNP rs2104308146, ClinGen allele CA347656154.